The following is an entry in ClinVar:

NM_001267550.2(TTN):c.79780del (p.Asp26595fs)

Genes: TTN (titin; minus strand), TTN-AS1 (TTN antisense RNA 1; plus strand). Cytogenetic location: 2q31.2.
Variant type: Deletion.
Coding change: c.79780del on transcript NM_001267550.2 (MANE Select); coding-DNA position 79780, one base deleted (C; older notation c.79780delC).
Protein change: p.Asp26595fs; shifts the reading frame from aspartic acid 26595.
Molecular consequence: frameshift variant.
Genome position (GRCh38, 1-based): chr2:178,566,352, G deleted on the plus strand (C on the coding strand, the reverse complement: TTN is on the minus strand); the first of 2 consecutive G bases (chr2:178,566,352-178,566,353); deleting either gives the same sequence. VCF-style (leftmost placement, unchanged base first): chr2-178566351-AG-A. GRCh37 (hg19) VCF-style: chr2-179431078-AG-A.
Other names: c.74857del, p.Asp24954fs (NM_001256850.1); c.52585del, p.Asp17530fs (NM_003319.4); c.72076del, p.Asp24027fs (NM_133378.4); c.52960del, p.Asp17655fs (NM_133432.3); c.53161del, p.Asp17722fs (NM_133437.4); c.52585delC (NM_003319.4); short protein forms D24027fs, D24954fs, D17655fs, D17722fs, D26595fs, D17530fs.
Identifiers: ClinVar variation 1746392 (VCV001746392.3), dbSNP rs2468281908, ClinGen allele CA2580064579.

ClinVar aggregate classification (germline): Likely pathogenic (1 of 4 stars; one submission).

Conditions:
Cardiovascular phenotype. Identifiers: MedGen CN230736.

Submission:

Ambry Genetics
Classification: Likely pathogenic for Cardiovascular phenotype. Last evaluated: 2023-07-12. Review status: criteria provided, single submitter. Criteria: Ambry Variant Classification Scheme 2023. Collection method: clinical testing. Allele origin: germline.
Comment: The c.52585delC variant, located in coding exon 153 of the TTN gene, results from a deletion of one nucleotide at nucleotide position 52585, causing a translational frameshift with a predicted alternate stop codon (p.D17530Tfs*4). This exon is located in the A-band region of the N2-B isoform of the titin protein and is constitutively expressed in TTN transcripts (percent spliced in or PSI 100%). This variant is considered to be rare based on population cohorts in the Genome Aggregation Database (gnomAD). This alteration is expected to result in loss of function by premature protein truncation or nonsense-mediated mRNA decay. While truncating variants in TTN are present in 1-3% of the general population, truncating variants in the A-band are the most common cause of dilated cardiomyopathy (DCM) (Herman DS et al. N. Engl. J. Med., 2012 Feb;366:619-28; Roberts AM et al. Sci Transl Med, 2015 Jan;7:270ra6). TTN truncating variants encoded in constitutive exons (PSI >90%) have been found to be significantly associated with DCM regardless of their position in titin (Schafer S et al. Nat. Genet., 2017 01;49:46-53). Based on the majority of available evidence to date, this variant is likely to be pathogenic.